The following is an entry in ClinVar:

NM_014679.5(CEP57):c.1022G>A (p.Gly341Asp)

Gene: CEP57 (centrosomal protein 57; plus strand). Cytogenetic location: 11q21.
Variant type: single nucleotide variant.
Coding change: c.1022G>A on transcript NM_014679.5 (MANE Select); coding-DNA position 1022, G replaced by A.
Protein change: p.Gly341Asp; replaces glycine 341 with aspartic acid.
Molecular consequence: missense variant.
Genome position (GRCh38, 1-based): chr11:95,827,922, G>A. VCF-style: chr11-95827922-G-A. GRCh37 (hg19) VCF-style: chr11-95561086-G-A.
Other names: c.995G>A, p.Gly332Asp (NM_001243776.2); c.944G>A, p.Gly315Asp (NM_001243777.2); c.941G>A, p.Gly314Asp (NM_001363604.2); short protein forms G314D, G315D, G332D, G341D.
Identifiers: ClinVar variation 4001051 (VCV004001051.1).

ClinVar aggregate classification (germline): Uncertain significance (1 of 4 stars; one submission).

Conditions:
Inborn genetic diseases. Identifiers: MedGen C0950123, MeSH D030342.

gnomAD v4.1: 3 of 1,613,982 alleles (0.00019%); highest among the groups gnomAD compares: African/African-American, 0.0027%; no homozygotes.

Submission:

Ambry Genetics
Classification: Uncertain significance for Inborn genetic diseases. Last evaluated: 2025-05-16. Review status: criteria provided, single submitter. Criteria: Ambry Variant Classification Scheme 2023. Collection method: clinical testing. Allele origin: germline.
Comment: The p.G341D variant (also known as c.1022G>A), located in coding exon 9 of the CEP57 gene, results from a G to A substitution at nucleotide position 1022. The glycine at codon 341 is replaced by aspartic acid, an amino acid with similar properties. This amino acid position is conserved. In addition, this alteration is predicted to be tolerated by in silico analysis. Based on the available evidence, the clinical significance of this variant remains unclear.